The following is an entry in ClinVar:

ClinVar aggregate classification (germline): Uncertain significance (1 of 4 stars; one submission).

Conditions:
ASH1L-related disorder. Also called: ASH1L-related condition.

Submission:

PreventionGenetics, part of Exact Sciences
Classification: Uncertain significance for ASH1L-related condition. Last evaluated: 2026-09-08. Review status: criteria provided, single submitter. Criteria: ACMG Guidelines, 2015. Collection method: clinical testing. Allele origin: germline.
Comment: The ASH1L c.5479A>C variant is predicted to result in the amino acid substitution p.Asn1827His. To our knowledge, this variant has not been reported in the literature or in a large population database (gnomAD), indicating this variant is rare. At this time, the clinical significance of this variant is uncertain due to the absence of conclusive functional and genetic evidence.

NM_018489.3(ASH1L):c.5479A>C (p.Asn1827His)

Gene: ASH1L (ASH1 like histone lysine methyltransferase; minus strand). Cytogenetic location: 1q22.
Variant type: single nucleotide variant.
Coding change: c.5479A>C on transcript NM_018489.3 (MANE Select); coding-DNA position 5479, A replaced by C.
Protein change: p.Asn1827His; replaces asparagine 1827 with histidine.
Molecular consequence: missense variant.
Genome position (GRCh38, 1-based): chr1:155,438,676, T>G on the plus strand (A>C on the coding strand, the complement: ASH1L is on the minus strand). VCF-style: chr1-155438676-T-G. GRCh37 (hg19) VCF-style: chr1-155408467-T-G.
Other names: c.5479A>C, p.Asn1827His (NM_001366177.2); short protein forms N1827H.
Identifiers: ClinVar variation 4996266 (VCV004996266.1).